The following is an entry in ClinVar:

ClinVar aggregate classification (germline): Uncertain significance (1 of 4 stars; one submission).

Conditions:
SYNE1-related disorder. Also called: SYNE1-related disease; SYNE1-related condition; SYNE1-related disorders.

Submission:

PreventionGenetics, part of Exact Sciences
Classification: Uncertain significance for SYNE1-related condition. Last evaluated: 2026-05-21. Review status: criteria provided, single submitter. Criteria: ACMG Guidelines, 2015. Collection method: clinical testing. Allele origin: germline.
Comment: The SYNE1 c.20175C>G variant is predicted to result in the amino acid substitution p.His6725Gln. To our knowledge, this variant has not been reported in the literature or in a large population database (gnomAD), indicating this variant is rare. At this time, the clinical significance of this variant is uncertain due to the absence of conclusive functional and genetic evidence.

NM_182961.4(SYNE1):c.20388C>G (p.His6796Gln)

Gene: SYNE1 (spectrin repeat containing nuclear envelope protein 1; minus strand). Cytogenetic location: 6q25.2.
Variant type: single nucleotide variant.
Coding change: c.20388C>G on transcript NM_182961.4 (MANE Select); coding-DNA position 20388, C replaced by G.
Protein change: p.His6796Gln; replaces histidine 6796 with glutamine.
Molecular consequence: missense variant.
Genome position (GRCh38, 1-based): chr6:152,236,115, G>C on the plus strand (C>G on the coding strand, the complement: SYNE1 is on the minus strand). VCF-style: chr6-152236115-G-C. GRCh37 (hg19) VCF-style: chr6-152557250-G-C.
Other names: c.20175C>G, p.His6725Gln (NM_033071.5); short protein forms H6725Q, H6796Q.
Identifiers: ClinVar variation 3061111 (VCV003061111.3), dbSNP rs2551694157, ClinGen allele CA366121520.